The following is an entry in ClinVar:

ClinVar aggregate classification (germline): Uncertain significance (1 of 4 stars; one submission).

gnomAD v4.1: 1 of 1,494,164 alleles (0.000067%); highest among the groups gnomAD compares: Non-Finnish European, 0.000089%; no homozygotes.

Submission:

GeneDx
Classification: Uncertain significance. Last evaluated: 2022-07-11. Review status: criteria provided, single submitter. Criteria: GeneDx Variant Classification Process June 2021. Collection method: clinical testing. Allele origin: germline. Affected: yes.
Comment: Not observed at significant frequency in large population cohorts (gnomAD); In silico analysis supports that this missense variant has a deleterious effect on protein structure/function; Has not been previously published as pathogenic or benign to our knowledge

NM_016148.5(SHANK1):c.1385C>G (p.Pro462Arg)

Gene: SHANK1 (SH3 and multiple ankyrin repeat domains 1; minus strand). Cytogenetic location: 19q13.33.
Variant type: single nucleotide variant.
Coding change: c.1385C>G on transcript NM_016148.5 (MANE Select); coding-DNA position 1385, C replaced by G.
Protein change: p.Pro462Arg; replaces proline 462 with arginine.
Molecular consequence: missense variant.
Genome position (GRCh38, 1-based): chr19:50,703,668, G>C on the plus strand (C>G on the coding strand, the complement: SHANK1 is on the minus strand). VCF-style: chr19-50703668-G-C. GRCh37 (hg19) VCF-style: chr19-51206925-G-C.
Other names: short protein forms P462R.
Identifiers: ClinVar variation 1878909 (VCV001878909.1), dbSNP rs761091205, ClinGen allele CA9601877.